The following is an entry in ClinVar:

ClinVar aggregate classification (germline): Uncertain significance (1 of 4 stars; one submission).

Conditions:
Catecholaminergic polymorphic ventricular tachycardia (CVPT). Also called: Catecholamine-induced polymorphic ventricular tachycardia. Identifiers: Orphanet 3286, MedGen C5574922, MONDO:0017990.

Submission:

All of Us Research Program, National Institutes of Health
Classification: Uncertain significance for Catecholaminergic polymorphic ventricular tachycardia. Last evaluated: 2024-03-05. Review status: criteria provided, single submitter. Criteria: ACMG Guidelines, 2015. Collection method: clinical testing. Allele origin: germline. Inheritance: Autosomal dominant inheritance. Observed: 1 variant allele, 1 heterozygote.
Comment: This study involves interpretation of variants in research participants for the purpose of population health screening. Participant phenotype was not available at the time of variant classification. Additional details can be found in publication PMID: 35346344, PMCID: PMC8962531

NM_001035.3(RYR2):c.7205G>C (p.Cys2402Ser)

Gene: RYR2 (ryanodine receptor 2; plus strand). Cytogenetic location: 1q43.
Variant type: single nucleotide variant.
Coding change: c.7205G>C on transcript NM_001035.3 (MANE Select); coding-DNA position 7205, G replaced by C.
Protein change: p.Cys2402Ser; replaces cysteine 2402 with serine.
Molecular consequence: missense variant.
Genome position (GRCh38, 1-based): chr1:237,640,986, G>C. VCF-style: chr1-237640986-G-C. GRCh37 (hg19) VCF-style: chr1-237804286-G-C.
Other names: short protein forms C2402S.
Identifiers: ClinVar variation 3385775 (VCV003385775.1).